The following is an entry in ClinVar:

NM_001367624.2(ZNF469):c.9521C>G (p.Pro3174Arg)

Gene: ZNF469 (zinc finger protein 469; plus strand). Cytogenetic location: 16q24.2.
Variant type: single nucleotide variant.
Coding change: c.9521C>G on transcript NM_001367624.2 (MANE Select); coding-DNA position 9521, C replaced by G.
Protein change: p.Pro3174Arg; replaces proline 3174 with arginine.
Molecular consequence: missense variant.
Genome position (GRCh38, 1-based): chr16:88,436,991, C>G. VCF-style: chr16-88436991-C-G. GRCh37 (hg19) VCF-style: chr16-88503399-C-G.
Other names: NM_001127464.1:c.9437C>G; short protein forms P3174R.
Identifiers: ClinVar variation 3987385 (VCV003987385.1).
Genomic context (GRCh38, chr16:88,436,991, plus strand): 5'-GCTCGCGGGAGCTGCTGCGGGGGCACCTGCAGGAGAGGCACGCGCAGAGCAAGGCCGGGC[C>G]CTGGGCGTGCGGCATGTGCCTGAAGGAGGTGGCCGACGTCTGGATGTACAACGAGCACCT-3'
Protein context (NP_001354553.1, residues 3164-3184): QERHAQSKAG[Pro3174Arg]WACGMCLKEV

ClinVar aggregate classification (germline): Uncertain significance (1 of 4 stars; one submission).

Conditions:
Cardiovascular phenotype. Identifiers: MedGen CN230736.

gnomAD v4.1: 13 of 1,517,962 alleles (0.00086%); highest among the groups gnomAD compares: South Asian, 0.0012%; no homozygotes.

Submission:

Ambry Genetics
Classification: Uncertain significance for Cardiovascular phenotype. Last evaluated: 2025-06-09. Review status: criteria provided, single submitter. Criteria: Ambry Variant Classification Scheme 2023. Collection method: clinical testing. Allele origin: germline.
Comment: The p.P3146R variant (also known as c.9437C>G), located in coding exon 2 of the ZNF469 gene, results from a C to G substitution at nucleotide position 9437. The proline at codon 3146 is replaced by arginine, an amino acid with dissimilar properties. This amino acid position is conserved. In addition, this alteration is predicted to be tolerated by in silico analysis. Based on the available evidence, the clinical significance of this variant remains unclear.